The following is an entry in ClinVar:

NM_021133.4(RNASEL):c.1033dup (p.Ala345fs)

Gene: RNASEL (ribonuclease L; minus strand). Cytogenetic location: 1q25.3.
Variant type: Duplication.
Coding change: c.1033dup on transcript NM_021133.4 (MANE Select); coding-DNA position 1033, one base duplicated (G; older notation c.1033dupG).
Protein change: p.Ala345fs; shifts the reading frame from alanine 345.
Molecular consequence: frameshift variant.
Genome position (GRCh38, 1-based): chr1:182,585,774, C duplicated on the plus strand (G on the coding strand, the reverse complement: RNASEL is on the minus strand); the first of 6 consecutive C bases (chr1:182,585,774-182,585,779); duplicating any one gives the same sequence. VCF-style (leftmost placement, unchanged base first): chr1-182585773-G-GC. GRCh37 (hg19) VCF-style: chr1-182554908-G-GC.
Other names: short protein forms A345fs.
Identifiers: ClinVar variation 1804134 (VCV001804134.1), dbSNP rs770477877, ClinGen allele CA1278166.
Genomic context (GRCh38, chr1:182,585,773, plus strand): 5'-ATAAAGAACTTGAGTTTGCCAATCATAGGGCGGTATATTCTGTGGAGATCCTTCAGGGCT[G>GC]CCCCCCAGTGTGAGCTCTGAGGCTTCCAGTCTTCAGCAGGAGGGTGAAAATCTTCTTTGG-3'

ClinVar aggregate classification (germline): Uncertain significance (1 of 4 stars; one submission).

Conditions:
Prostate cancer, hereditary, 1 (HPC1). Identifiers: Orphanet 1331, MedGen C4722327, MONDO:0011098, OMIM 601518.

Submission:

Institute of Human Genetics, University of Leipzig Medical Center
Classification: Uncertain significance for Prostate cancer, hereditary, 1. Last evaluated: 2022-11-24. Review status: criteria provided, single submitter. Criteria: ACMG Guidelines, 2015. Collection method: clinical testing. Allele origin: unknown. Affected: yes.
Comment: _x000D_ Criteria applied: PVS1_SUP, PP4